The following is an entry in ClinVar:

ClinVar aggregate classification (germline): Conflicting classifications of pathogenicity. Review status: criteria provided, conflicting classifications (1 of 4 stars). 3 submissions from 3 submitters: Likely pathogenic (2); Uncertain significance (1). Last evaluated 2026-02-27.

Conditions:
Cardiovascular phenotype. Identifiers: MedGen CN230736.
COL1A2-related disorder. Also called: COL1A2-related condition; COL1A2-Related Disorders.

Allele frequency attached by ClinVar (database versions not stated): 1000 Genomes Project 30x 0.00016.
gnomAD v4.1: 2 of 1,614,070 alleles (0.00012%); highest among the groups gnomAD compares: East Asian, 0.0022%; no homozygotes.

Submissions (3):

GeneDx
Classification: Likely pathogenic. Last evaluated: 2026-02-27. Review status: criteria provided, single submitter. Criteria: GeneDx Variant Classification Process June 2021. Collection method: clinical testing. Allele origin: germline.
Comment: Nonsense variant predicted to result in protein truncation or nonsense mediated decay in a gene for which loss of function is a known mechanism of disease; Not observed at significant frequency in large population cohorts (gnomAD); Has been reported in a patient with Ehlers-Danlos disease, cardiac valvular type (cvEDS) (PMID: 39843441); This variant is associated with the following publications: (PMID: 39843441)

Ambry Genetics
Classification: Uncertain significance for Cardiovascular phenotype. Last evaluated: 2024-08-09. Review status: criteria provided, single submitter. Criteria: Ambry Variant Classification Scheme 2023. Collection method: clinical testing. Allele origin: germline.
Comment: The p.R830* variant (also known as c.2488C>T), located in coding exon 40 of the COL1A2 gene, results from a C to T substitution at nucleotide position 2488. This changes the amino acid from an arginine to a stop codon within coding exon 40. This alteration is expected to result in loss of function by premature protein truncation or nonsense-mediated mRNA decay. Although biallelic loss of function alterations in COL1A2 have been associated with autosomal recessive cardiac valvular type Ehlers-Danlos syndrome (EDS), haploinsufficiency for COL1A2 has not been clearly established as a mechanism of disease for autosomal dominant arthrochalasia type EDS or autosomal dominant osteogenesis imperfecta. Since supporting evidence is limited at this time, the clinical significance of this alteration remains unclear.

Blueprint Genetics
Classification: Likely pathogenic for COL1A2-related disorders. Last evaluated: 2023-08-22. Review status: criteria provided, single submitter. Criteria: ACMG Guidelines, 2015. Collection method: clinical testing. Allele origin: germline. Affected: yes. Observed: 2 variant alleles.

NM_000089.4(COL1A2):c.2488C>T (p.Arg830Ter)

Gene: COL1A2 (collagen type I alpha 2 chain; plus strand). Cytogenetic location: 7q21.3.
Variant type: single nucleotide variant.
Coding change: c.2488C>T on transcript NM_000089.4 (MANE Select); coding-DNA position 2488, C replaced by T.
Protein change: p.Arg830Ter; replaces arginine 830 with a stop codon.
Molecular consequence: nonsense.
Genome position (GRCh38, 1-based): chr7:94,423,041, C>T. VCF-style: chr7-94423041-C-T. GRCh37 (hg19) VCF-style: chr7-94052353-C-T.
Other names: short protein forms R830*.
Identifiers: ClinVar variation 1792015 (VCV001792015.5), dbSNP rs990076088, ClinGen allele CA162937987.